The following is an entry in ClinVar:

ClinVar aggregate classification (germline): Uncertain significance (1 of 4 stars; one submission).

Submission:

GeneDx
Classification: Uncertain significance. Last evaluated: 2023-12-28. Review status: criteria provided, single submitter. Criteria: GeneDx Variant Classification Process June 2021. Collection method: clinical testing. Allele origin: germline. Affected: yes.
Comment: Not observed at significant frequency in large population cohorts (gnomAD); In silico analysis supports that this missense variant does not alter protein structure/function; Has not been previously published as pathogenic or benign to our knowledge

NM_015057.5(MYCBP2):c.1335A>C (p.Gln445His)

Gene: MYCBP2 (MYC binding protein 2; minus strand). Cytogenetic location: 13q22.3.
Variant type: single nucleotide variant.
Coding change: c.1335A>C on transcript NM_015057.5 (MANE Select); coding-DNA position 1335, A replaced by C.
Protein change: p.Gln445His; replaces glutamine 445 with histidine.
Molecular consequence: missense variant.
Genome position (GRCh38, 1-based): chr13:77,267,863, T>G on the plus strand (A>C on the coding strand, the complement: MYCBP2 is on the minus strand). VCF-style: chr13-77267863-T-G. GRCh37 (hg19) VCF-style: chr13-77841998-T-G.
Other names: short protein forms Q445H.
Identifiers: ClinVar variation 3370055 (VCV003370055.1).